The following is an entry in ClinVar:

NM_001035.3(RYR2):c.11030C>A (p.Thr3677Lys)

Gene: RYR2 (ryanodine receptor 2; plus strand). Cytogenetic location: 1q43.
Variant type: single nucleotide variant.
Coding change: c.11030C>A on transcript NM_001035.3 (MANE Select); coding-DNA position 11030, C replaced by A.
Protein change: p.Thr3677Lys; replaces threonine 3677 with lysine.
Molecular consequence: missense variant.
Genome position (GRCh38, 1-based): chr1:237,732,140, C>A. VCF-style: chr1-237732140-C-A. GRCh37 (hg19) VCF-style: chr1-237895440-C-A.
Other names: c.11030C>A (NM_001035.2); short protein forms T3677K.
Identifiers: ClinVar variation 2999889 (VCV002999889.4), dbSNP rs1453425758, ClinGen allele CA345419103.

ClinVar aggregate classification (germline): Uncertain significance. Review status: criteria provided, multiple submitters, no conflicts (2 of 4 stars). 2 submissions from 2 submitters: Uncertain significance (2). Last evaluated 2026-01-26.

Conditions:
Catecholaminergic polymorphic ventricular tachycardia 1. Also called: RYR2-Related Catecholaminergic Polymorphic Ventricular Tachycardia; VENTRICULAR TACHYCARDIA, STRESS-INDUCED POLYMORPHIC 1; VENTRICULAR TACHYCARDIA, CATECHOLAMINERGIC POLYMORPHIC, 1, WITH OR WITHOUT ATRIAL DYSFUNCTION AND/OR DILATED CARDIOMYOPATHY. Identifiers: Orphanet 3286, MedGen C1631597, MONDO:0011484, OMIM 604772.

Allele frequency attached by ClinVar (database versions not stated): gnomAD exomes below 0.00001.
gnomAD v4.1: 1 of 1,604,004 alleles (0.000062%); highest among the groups gnomAD compares: African/African-American, 0.0013%; no homozygotes.

Submissions (2):

Labcorp Genetics (formerly Invitae), Labcorp
Classification: Uncertain significance for Catecholaminergic polymorphic ventricular tachycardia 1. Last evaluated: 2026-01-26. Review status: criteria provided, single submitter. Criteria: Invitae Variant Classification Sherloc (09022015). Collection method: clinical testing. Allele origin: germline.
Comment: This sequence change replaces threonine, which is neutral and polar, with lysine, which is basic and polar, at codon 3677 of the RYR2 protein (p.Thr3677Lys). This variant is present in population databases (no rsID available, gnomAD 0.007%). This variant has not been reported in the literature in individuals affected with RYR2-related conditions. ClinVar contains an entry for this variant (Variation ID: 2999889). Invitae Evidence Modeling of protein sequence and biophysical properties (such as structural, functional, and spatial information, amino acid conservation, physicochemical variation, residue mobility, and thermodynamic stability) indicates that this missense variant is expected to disrupt RYR2 protein function with a positive predictive value of 95%. In summary, the available evidence is currently insufficient to determine the role of this variant in disease. Therefore, it has been classified as a Variant of Uncertain Significance.

GeneDx
Classification: Uncertain significance. Last evaluated: 2025-03-18. Review status: criteria provided, single submitter. Criteria: GeneDx Variant Classification Process June 2021. Collection method: clinical testing. Allele origin: germline. Affected: yes.
Comment: Not observed at significant frequency in large population cohorts (gnomAD); In silico analysis supports that this missense variant has a deleterious effect on protein structure/function; Has not been previously published as pathogenic or benign to our knowledge; Not located in one of the three hot-spot regions of the RYR2 gene, where the majority of pathogenic missense variants occur (PMID: 19926015); This variant is associated with the following publications: (PMID: 19926015)